The following is an entry in ClinVar:

NM_031475.3(ESPN):c.1141G>A (p.Asp381Asn)

Gene: ESPN (espin; plus strand). Cytogenetic location: 1p36.31.
Variant type: single nucleotide variant.
Coding change: c.1141G>A on transcript NM_031475.3 (MANE Select); coding-DNA position 1141, G replaced by A.
Protein change: p.Asp381Asn; replaces aspartic acid 381 with asparagine.
Molecular consequence: missense variant.
Genome position (GRCh38, 1-based): chr1:6,444,631, G>A. VCF-style: chr1-6444631-G-A. GRCh37 (hg19) VCF-style: chr1-6504691-G-A.
Other names: c.1141G>A, p.Asp381Asn (NM_001367473.1, NM_001367474.1); short protein forms D381N.
Identifiers: ClinVar variation 3276467 (VCV003276467.2).

ClinVar aggregate classification (germline): Uncertain significance. Review status: criteria provided, multiple submitters, no conflicts (2 of 4 stars). 2 submissions from 2 submitters: Uncertain significance (2). Last evaluated 2024-10-24.

Conditions:
Inborn genetic diseases. Identifiers: MedGen C0950123, MeSH D030342.

gnomAD v4.1: 31 of 1,614,106 alleles (0.0019%); highest among the groups gnomAD compares: Non-Finnish European, 0.0025%; no homozygotes.

Submissions (2):

GeneDx
Classification: Uncertain significance. Last evaluated: 2024-10-24. Review status: criteria provided, single submitter. Criteria: GeneDx Variant Classification Process June 2021. Collection method: clinical testing. Allele origin: germline. Affected: yes.
Comment: Not observed at significant frequency in large population cohorts (gnomAD); In silico analysis supports that this missense variant has a deleterious effect on protein structure/function; Has not been previously published as pathogenic or benign to our knowledge

Ambry Genetics
Classification: Uncertain significance for Inborn genetic diseases. Last evaluated: 2024-05-24. Review status: criteria provided, single submitter. Criteria: Ambry Variant Classification Scheme 2023. Collection method: clinical testing. Allele origin: germline.